The following is an entry in ClinVar:

ClinVar aggregate classification (germline): Uncertain significance (1 of 4 stars; one submission).

Conditions:
Bethlem myopathy 1A. Also called: Bethlem myopathy 1; MYOPATHY, BENIGN CONGENITAL, WITH CONTRACTURES; Bethlem Muscular Dystrophy. Identifiers: Orphanet 610, MedGen CN029274, MONDO:0024530, OMIM 158810.

Submission:

Labcorp Genetics (formerly Invitae), Labcorp
Classification: Uncertain significance for Bethlem myopathy 1A. Last evaluated: 2024-07-17. Review status: criteria provided, single submitter. Criteria: Invitae Variant Classification Sherloc (09022015). Collection method: clinical testing. Allele origin: germline.
Comment: This sequence change replaces threonine, which is neutral and polar, with lysine, which is basic and polar, at codon 95 of the COL6A3 protein (p.Thr95Lys). This variant is not present in population databases (gnomAD no frequency). This variant has not been reported in the literature in individuals affected with COL6A3-related conditions. Advanced modeling of protein sequence and biophysical properties (such as structural, functional, and spatial information, amino acid conservation, physicochemical variation, residue mobility, and thermodynamic stability) performed at Invitae indicates that this missense variant is not expected to disrupt COL6A3 protein function with a negative predictive value of 95%. In summary, the available evidence is currently insufficient to determine the role of this variant in disease. Therefore, it has been classified as a Variant of Uncertain Significance.

NM_004369.4(COL6A3):c.284C>A (p.Thr95Lys)

Gene: COL6A3 (collagen type VI alpha 3 chain; minus strand). Cytogenetic location: 2q37.3.
Variant type: single nucleotide variant.
Coding change: c.284C>A on transcript NM_004369.4 (MANE Select); coding-DNA position 284, C replaced by A.
Protein change: p.Thr95Lys; replaces threonine 95 with lysine.
Molecular consequence: missense variant. On other transcripts: intron variant (4).
Genome position (GRCh38, 1-based): chr2:237,395,012, G>T on the plus strand (C>A on the coding strand, the complement: COL6A3 is on the minus strand). VCF-style: chr2-237395012-G-T. GRCh37 (hg19) VCF-style: chr2-238303655-G-T.
Other names: c.91+1715C>A (NM_057166.5, NM_057167.4, NM_057164.5 and 1 more transcripts); short protein forms T95K.
Identifiers: ClinVar variation 3634150 (VCV003634150.2).